The following is an entry in ClinVar:

ClinVar aggregate classification (germline): Uncertain significance. Review status: criteria provided, multiple submitters, no conflicts (2 of 4 stars). 3 submissions from 3 submitters: Uncertain significance (3). Last evaluated 2025-12-12.

Conditions:
Hereditary cancer-predisposing syndrome. Also called: Tumor predisposition; Hereditary neoplastic syndrome; Neoplastic Syndromes, Hereditary; Hereditary Cancer Syndrome. Identifiers: Orphanet 140162, MedGen C0027672, MeSH D009386, MONDO:0015356.
Familial adenomatous polyposis 1 (FAP1). Also called: POLYPOSIS, ADENOMATOUS INTESTINAL; FAMILIAL ADENOMATOUS POLYPOSIS 1, ATTENUATED. Identifiers: MedGen C2713442, MONDO:0021056, OMIM 175100. Disease mechanism: loss of function.

Allele frequency attached by ClinVar (database versions not stated): gnomAD exomes below 0.00001.
gnomAD v4.1: 1 of 1,614,092 alleles (0.000062%); highest among the groups gnomAD compares: Non-Finnish European, 0.000085%; no homozygotes.

Submissions (3):

Ambry Genetics
Classification: Uncertain significance for Hereditary cancer-predisposing syndrome. Last evaluated: 2025-12-12. Review status: criteria provided, single submitter. Criteria: Ambry Variant Classification Scheme 2023. Collection method: clinical testing. Allele origin: germline.
Comment: The p.L1004V variant (also known as c.3010C>G), located in coding exon 15 of the APC gene, results from a C to G substitution at nucleotide position 3010. The leucine at codon 1004 is replaced by valine, an amino acid with highly similar properties. Missense variants in APC are not a common cause of disease (Spier I et al. Genet Med. 2024 Feb;26(2):100992). This amino acid position is highly conserved in available vertebrate species. In addition, in silico predictors for this gene do not accurately predict pathogenicity. Based on the available evidence, the clinical significance of this variant remains unclear.

Labcorp Genetics (formerly Invitae), Labcorp
Classification: Uncertain significance for Familial adenomatous polyposis 1. Last evaluated: 2025-10-23. Review status: criteria provided, single submitter. Criteria: Invitae Variant Classification Sherloc (09022015). Collection method: clinical testing. Allele origin: germline.
Comment: This sequence change replaces leucine, which is neutral and non-polar, with valine, which is neutral and non-polar, at codon 1004 of the APC protein (p.Leu1004Val). This variant is not present in population databases (gnomAD no frequency). This variant has not been reported in the literature in individuals affected with APC-related conditions. ClinVar contains an entry for this variant (Variation ID: 666208). Invitae Evidence Modeling of protein sequence and biophysical properties (such as structural, functional, and spatial information, amino acid conservation, physicochemical variation, residue mobility, and thermodynamic stability) indicates that this missense variant is not expected to disrupt APC protein function with a negative predictive value of 95%. In summary, the available evidence is currently insufficient to determine the role of this variant in disease. Therefore, it has been classified as a Variant of Uncertain Significance.

Baylor Genetics
Classification: Uncertain significance for Familial adenomatous polyposis 1. Last evaluated: 2023-11-29. Review status: criteria provided, single submitter. Criteria: ACMG Guidelines, 2015. Collection method: clinical testing. Allele origin: unknown.

NM_000038.6(APC):c.3010C>G (p.Leu1004Val)

Gene: APC (APC regulator of Wnt signaling pathway; plus strand). Cytogenetic location: 5q22.2.
Variant type: single nucleotide variant.
Coding change: c.3010C>G on transcript NM_000038.6 (MANE Select); coding-DNA position 3010, C replaced by G.
Protein change: p.Leu1004Val; replaces leucine 1004 with valine.
Molecular consequence: missense variant.
Genome position (GRCh38, 1-based): chr5:112,838,604, C>G. VCF-style: chr5-112838604-C-G. GRCh37 (hg19) VCF-style: chr5-112174301-C-G.
Other names: c.3010C>G, p.Leu1004Val (NM_001127510.3, NM_001354895.2); c.2956C>G, p.Leu986Val (NM_001127511.3); c.3064C>G, p.Leu1022Val (NM_001354896.2); c.3040C>G, p.Leu1014Val (NM_001354897.2); c.2935C>G, p.Leu979Val (NM_001354898.2); c.2926C>G, p.Leu976Val (NM_001354899.2); c.2887C>G, p.Leu963Val (NM_001354900.2); c.2833C>G, p.Leu945Val (NM_001354901.2); and 5 more; short protein forms L721V, L844V, L878V, L945V, L963V, L976V, L1014V, L903V.
Identifiers: ClinVar variation 666208 (VCV000666208.16), dbSNP rs1580629859, ClinGen allele CA16027917.